The following is an entry in ClinVar:

ClinVar aggregate classification (germline): Uncertain significance (1 of 4 stars; one submission).

Conditions:
Hereditary breast ovarian cancer syndrome. Also called: Hereditary breast and ovarian cancer; Hereditary breast and/or ovarian cancer syndrome; Hereditary breast and ovarian cancer syndrome; Hereditary breast and ovarian cancer syndrome (HBOC); BRCA1- and BRCA2-Associated Hereditary Breast and Ovarian Cancer; Breast and ovarian cancer. Identifiers: Orphanet 145, MedGen C0677776, MeSH D061325, MONDO:0003582. Disease mechanism: loss of function.

Submission:

Labcorp Genetics (formerly Invitae), Labcorp
Classification: Uncertain significance for Hereditary breast ovarian cancer syndrome. Last evaluated: 2019-09-23. Review status: criteria provided, single submitter. Criteria: Invitae Variant Classification Sherloc (09022015). Collection method: clinical testing. Allele origin: germline.
Comment: In summary, the available evidence is currently insufficient to determine the role of this variant in disease. Therefore, it has been classified as a Variant of Uncertain Significance. Nucleotide substitutions within the consensus splice site are a relatively common cause of aberrant splicing (PMID: 17576681, 9536098). Algorithms developed to predict the effect of sequence changes on RNA splicing suggest that this variant may disrupt the consensus splice site, but this prediction has not been confirmed by published transcriptional studies. This variant has not been reported in the literature in individuals with BRCA2-related conditions. This variant is not present in population databases (ExAC no frequency). This sequence change falls in intron 2 of the BRCA2 gene. It does not directly change the encoded amino acid sequence of the BRCA2 protein, but it affects a nucleotide within the consensus splice site of the intron.

Literature cited by the submitters: PubMed 17576681; PubMed 9536098.

NM_000059.4(BRCA2):c.67+6G>C

Gene: BRCA2 (BRCA2 DNA repair associated; plus strand). Cytogenetic location: 13q13.1.
Variant type: single nucleotide variant.
Coding change: c.67+6G>C on transcript NM_000059.4 (MANE Select); 6 bases into the intron after coding-DNA position 67, G replaced by C.
Molecular consequence: intron variant.
Genome position (GRCh38, 1-based): chr13:32,316,533, G>C. VCF-style: chr13-32316533-G-C. GRCh37 (hg19) VCF-style: chr13-32890670-G-C.
Identifiers: ClinVar variation 949930 (VCV000949930.10), dbSNP rs2072262571, ClinGen allele CA1139663045.
Genomic context (GRCh38, chr13:32,316,533, plus strand): 5'-TCCAAAGAGAGGCCAACATTTTTTGAAATTTTTAAGACACGCTGCAACAAAGCAGGTATT[G>C]ACAAATTTTATATAACTTTATAAATTACACCGAGAAAGTGTTTTCTAAAAAATGCTTGCT-3'